The following is an entry in ClinVar:

NM_001184880.2(PCDH19):c.2314C>T (p.Gln772Ter)

Genes: PCDH19 (protocadherin 19; minus strand), LOC125467768 (CDK7 strongly-dependent group 2 enhancer GRCh37_chrX:99657381-99658580; plus strand). Cytogenetic location: Xq22.1.
Variant type: single nucleotide variant.
Coding change: c.2314C>T on transcript NM_001184880.2 (MANE Select); coding-DNA position 2314, C replaced by T.
Protein change: p.Gln772Ter; replaces glutamine 772 with a stop codon.
Molecular consequence: nonsense.
Genome position (GRCh38, 1-based): chrX:100,402,826, G>A on the plus strand (C>T on the coding strand, the complement: PCDH19 is on the minus strand). VCF-style: chrX-100402826-G-A. GRCh37 (hg19) VCF-style: chrX-99657824-G-A.
Other names: c.2173C>T, p.Gln725Ter (NM_001105243.2, NM_020766.3); short protein forms Q725*, Q772*.
Identifiers: ClinVar variation 960821 (VCV000960821.1), dbSNP rs1471944316, ClinGen allele CA414006332.

ClinVar aggregate classification (germline): Pathogenic (1 of 4 stars; one submission).

Conditions:
Developmental and epileptic encephalopathy, 9 (DEE9). Also called: Early infantile epileptic encephalopathy 9; EPILEPSY, FEMALE-RESTRICTED, WITH MENTAL RETARDATION; JUBERG-HELLMAN SYNDROME; PCDH19-Related X-Linked Female-Limited Epilepsy with Mental Retardation. Identifiers: Orphanet 101039, Orphanet 2076, MedGen C1848137, MONDO:0010246, OMIM 300088. Disease mechanism: loss of function.

Submission:

Labcorp Genetics (formerly Invitae), Labcorp
Classification: Pathogenic for Early infantile epileptic encephalopathy 9. Last evaluated: 2019-08-16. Review status: criteria provided, single submitter. Criteria: Invitae Variant Classification Sherloc (09022015). Collection method: clinical testing. Allele origin: germline.
Comment: This sequence change creates a premature translational stop signal (p.Gln772*) in the PCDH19 gene. It is expected to result in an absent or disrupted protein product. This variant is not present in population databases (ExAC no frequency). This variant has not been reported in the literature in individuals with PCDH19-related conditions. Loss-of-function variants in PCDH19 are known to be pathogenic (PMID: 21053371). For these reasons, this variant has been classified as Pathogenic.